The following is an entry in ClinVar:

ClinVar aggregate classification (germline): Benign. Review status: criteria provided, multiple submitters, no conflicts (2 of 4 stars). 3 submissions from 3 submitters: Benign (3). Last evaluated 2024-01-24.

Allele frequency attached by ClinVar (database versions not stated): gnomAD exomes 0.43357; gnomAD 0.46815 and 0.46981; TOPMed 0.49352; 1000 Genomes Project 30x 0.51046.
gnomAD v4.1: 367,826 of 834,838 alleles (44%); highest among the groups gnomAD compares: Admixed American, 56%; 82,562 homozygotes.

Submissions (3):

Unidad de Genómica Garrahan, Hospital de Pediatría Garrahan
Classification: Benign. Last evaluated: 2024-01-24. Review status: criteria provided, single submitter. Criteria: ACMG Guidelines, 2015. Collection method: clinical testing. Allele origin: germline. Affected: no. Observed: 61 variant alleles.
Comment: This variant is classified as Benign based on local population frequency. This variant was detected in 64% of patients studied by a panel of primary immunodeficiencies. Number of patients: 61. Only high quality variants are reported.

GeneDx
Classification: Benign. Last evaluated: 2018-07-09. Review status: criteria provided, single submitter. Criteria: GeneDx Variant Classification Process June 2021. Collection method: clinical testing. Allele origin: germline. Affected: yes.

Breakthrough Genomics
Classification: Benign. Review status: criteria provided, single submitter. Criteria: ACMG Guidelines, 2015. Collection method: not provided. Allele origin: germline. Inheritance: Autosomal recessive inheritance. Affected: yes.

NM_058004.4(PI4KA):c.6084-71T>G

Gene: PI4KA (phosphatidylinositol 4-kinase alpha; minus strand). Cytogenetic location: 22q11.21.
Variant type: single nucleotide variant.
Coding change: c.6084-71T>G on transcript NM_058004.4 (MANE Select); 71 bases into the intron before coding-DNA position 6084, T replaced by G.
Molecular consequence: intron variant.
Genome position (GRCh38, 1-based): chr22:20,710,068, A>C on the plus strand (T>G on the coding strand, the complement: PI4KA is on the minus strand). VCF-style: chr22-20710068-A-C. GRCh37 (hg19) VCF-style: chr22-21064356-A-C.
Other names: c.6018-71T>G (NM_001362863.2); c.5991-71T>G (NM_001362862.2).
Identifiers: ClinVar variation 1275198 (VCV001275198.4), dbSNP rs5760149, ClinGen allele CA14934775.